The following is an entry in ClinVar:

ClinVar aggregate classification (germline): Conflicting classifications of pathogenicity. Review status: criteria provided, conflicting classifications (1 of 4 stars). 2 submissions from 2 submitters: Uncertain significance (1); Likely benign (1). Last evaluated 2026-02-12.

Allele frequency attached by ClinVar (database versions not stated): TOPMed below 0.00001; gnomAD 0.00001.
gnomAD v4.1: 6 of 1,614,066 alleles (0.00037%); highest among the groups gnomAD compares: Non-Finnish European, 0.00051%; no homozygotes.

Submissions (2):

GeneDx
Classification: Uncertain significance. Last evaluated: 2026-02-12. Review status: criteria provided, single submitter. Criteria: GeneDx Variant Classification Process June 2021. Collection method: clinical testing. Allele origin: germline.
Comment: Reported using an alternate transcript of the gene; Not observed at significant frequency in large population cohorts (gnomAD); In silico analysis supports that this variant does not alter splicing; In silico analysis suggests this variant may impact gene splicing. In the absence of RNA/functional studies, the actual effect of this sequence change is unknown.; Has not been previously published as pathogenic or benign to our knowledge

Women's Health and Genetics/Laboratory Corporation of America, LabCorp
Classification: Likely benign. Last evaluated: 2023-12-14. Review status: criteria provided, single submitter. Criteria: LabCorp Variant Classification Summary - May 2015. Collection method: clinical testing. Allele origin: germline.

NM_001377265.1(MAPT):c.1571C>G (p.Thr524Ser)

Gene: MAPT (microtubule associated protein tau). Cytogenetic location: 17q21.31.
Variant type: single nucleotide variant.
Coding change: c.1571C>G on transcript NM_001377265.1 (MANE Select); coding-DNA position 1571, C replaced by G.
Protein change: p.Thr524Ser; replaces threonine 524 with serine.
Molecular consequence: missense variant. On other transcripts: intron variant (9).
Genome position (GRCh38, 1-based): chr17:45,990,041, C>G. VCF-style: chr17-45990041-C-G. GRCh37 (hg19) VCF-style: chr17-44067407-C-G.
Other names: c.1346C>G, p.Thr449Ser (NM_001123066.4, NM_016835.5); c.256-1419C>G (NM_001377268.1, NM_016834.5, NM_016841.5); c.430-1419C>G (NM_005910.6, NM_001203252.2); c.1408-1419C>G (NM_001377266.1); c.343-1419C>G (NM_001123067.4, NM_001203251.2, NM_001377267.1); short protein forms T449S, T524S.
Identifiers: ClinVar variation 2691701 (VCV002691701.3), dbSNP rs1401903524, ClinGen allele CA399977447.
Genomic context (GRCh38, chr17:45,990,041, plus strand): 5'-CTGCTGTGTGCCCAGAGCCACCTTCCTCTCCTAAATACGTCTCTTCTGTCACTTCCCGAA[C>G]TGGCAGTTCTGGAGCAAAGGAGATGAAACTCAAGGTAAGGAAACCACCTTTGAAAAGAAC-3'
Protein context (NP_001364194.1, residues 514-534): PKYVSSVTSR[Thr524Ser]GSSGAKEMKL